The following is an entry in ClinVar:

ClinVar aggregate classification (germline): Benign/Likely benign. Review status: criteria provided, multiple submitters, no conflicts (2 of 4 stars). 7 submissions from 7 submitters: Benign (1); Likely benign (5). 1 of the submissions does not count toward it. Last evaluated 2026-07-14.

Conditions:
SMARCA4-related disorder. Also called: SMARCA4-related condition.
Hereditary cancer-predisposing syndrome. Also called: Hereditary Cancer Syndrome; Hereditary neoplastic syndrome; Neoplastic Syndromes, Hereditary; Tumor predisposition. Identifiers: Orphanet 140162, MedGen C0027672, MeSH D009386, MONDO:0015356.
Rhabdoid tumor predisposition syndrome 2 (RTPS2). Identifiers: Orphanet 231108, Orphanet 69077, MedGen C2750074, MONDO:0013224, OMIM 613325.

Allele frequency attached by ClinVar (database versions not stated): TOPMed 0.00002; gnomAD 0.00001; ExAC 0.00002; gnomAD exomes 0.00002.
gnomAD v4.1: 38 of 1,613,742 alleles (0.0024%); highest among the groups gnomAD compares: Middle Eastern, 0.033%; no homozygotes.

Submissions (7):

Myriad Genetics, Inc.
Classification: Benign for Rhabdoid tumor predisposition syndrome 2. Last evaluated: 2026-07-14. Review status: criteria provided, single submitter. Criteria: Myriad Autosomal Dominant, Autosomal Recessive and X-Linked Classification Criteria (2023). Collection method: clinical testing. Allele origin: unknown.
Comment: This variant is considered benign. This variant is a silent/synonymous amino acid change and it is not expected to impact splicing.

Labcorp Genetics (formerly Invitae), Labcorp
Classification: Likely benign for Rhabdoid tumor predisposition syndrome 2. Last evaluated: 2026-01-27. Review status: criteria provided, single submitter. Criteria: Invitae Variant Classification Sherloc (09022015). Collection method: clinical testing. Allele origin: germline.

Quest Diagnostics Nichols Institute San Juan Capistrano
Classification: Likely benign. Last evaluated: 2025-07-31. Review status: criteria provided, single submitter. Criteria: Quest Diagnostics criteria. Collection method: clinical testing. Allele origin: unknown.

ARUP Laboratories, Molecular Genetics and Genomics, ARUP Laboratories
Classification: Likely benign. Last evaluated: 2024-09-16. Review status: criteria provided, single submitter. Criteria: ARUP Molecular Germline Variant Investigation Process 2024. Collection method: clinical testing. Allele origin: germline.

CeGaT Center for Human Genetics Tuebingen
Classification: Likely benign. Last evaluated: 2022-03-01. Review status: criteria provided, single submitter. Criteria: CeGaT Center For Human Genetics Tuebingen Variant Classification Criteria Version 2. Collection method: clinical testing. Allele origin: germline. Affected: yes. Observed: 1 variant allele.
Comment: SMARCA4: BP4, BP7

Ambry Genetics
Classification: Likely benign for Hereditary cancer-predisposing syndrome. Last evaluated: 2015-10-03. Review status: criteria provided, single submitter. Criteria: Ambry Variant Classification Scheme 2023. Collection method: clinical testing. Allele origin: germline.

PreventionGenetics, part of Exact Sciences
Classification: Likely benign for SMARCA4-related condition. Last evaluated: 2023-09-08. Review status: no assertion criteria provided. Collection method: clinical testing. Allele origin: germline. Not counted in ClinVar's aggregate classification.
Comment: This variant is classified as likely benign based on ACMG/AMP sequence variant interpretation guidelines (Richards et al. 2015 PMID: 25741868, with internal and published modifications).

NM_003072.5(SMARCA4):c.3180C>T (p.Ser1060=)

Gene: SMARCA4 (SWI/SNF related BAF chromatin remodeling complex subunit ATPase 4; plus strand). Cytogenetic location: 19p13.2.
Variant type: single nucleotide variant.
Coding change: c.3180C>T on transcript NM_003072.5 (MANE Select); coding-DNA position 3180, C replaced by T.
Protein change: p.Ser1060=; no amino-acid change (serine 1060 retained).
Molecular consequence: synonymous variant. On other transcripts: non-coding transcript variant (1).
Genome position (GRCh38, 1-based): chr19:11,026,311, C>T. VCF-style: chr19-11026311-C-T. GRCh37 (hg19) VCF-style: chr19-11136987-C-T.
Other names: c.3180C>T, p.Ser1060= (NM_001128844.3, NM_001128845.2, NM_001128846.2 and 5 more transcripts).
Identifiers: ClinVar variation 415116 (VCV000415116.43), dbSNP rs765269922, ClinGen allele CA9204355.